The following is an entry in ClinVar:

NM_000051.4(ATM):c.8987G>C (p.Ser2996Thr)

Genes: ATM (ATM serine/threonine kinase; plus strand), C11orf65 (chromosome 11 open reading frame 65; minus strand). Cytogenetic location: 11q22.3.
Variant type: single nucleotide variant.
Coding change: c.8987G>C on transcript NM_000051.4 (MANE Select); coding-DNA position 8987, G replaced by C.
Protein change: p.Ser2996Thr; replaces serine 2996 with threonine.
Molecular consequence: missense variant. On other transcripts: intron variant (2).
Genome position (GRCh38, 1-based): chr11:108,365,218, G>C. VCF-style: chr11-108365218-G-C. GRCh37 (hg19) VCF-style: chr11-108235945-G-C.
Other names: c.8987G>C, p.Ser2996Thr (NM_001351834.2); c.640+20702C>G (NM_001330368.2); c.694+20702C>G (NM_001351110.2); short protein forms S2996T.
Identifiers: ClinVar variation 1765332 (VCV001765332.7), dbSNP rs1555151525, ClinGen allele CA382530585.
Genomic context (GRCh38, chr11:108,365,218, plus strand): 5'-ATGAAACTGAGCTTCACCCTACTCTGAATGCAGATGACCAAGAATGCAAACGAAATCTCA[G>C]GTGAGCAGTATTTTAAGAAGGTCCTGTTGTCAGTTTTTCAGATTTTCTTATTCCCAAGGC-3'
Protein context (NP_000042.3, residues 2986-3006): ADDQECKRNL[Ser2996Thr]DIDQSFNKVA

ClinVar aggregate classification (germline): Uncertain significance. Review status: criteria provided, multiple submitters, no conflicts (2 of 4 stars). 2 submissions from 2 submitters: Uncertain significance (2). Last evaluated 2024-06-19.

Conditions:
Ataxia-telangiectasia syndrome (AT). Also called: Ataxia telangiectasia (A-T); LOUIS-BAR SYNDROME; Cerebello-oculocutaneous telangiectasia; Immunodeficiency with ataxia telangiectasia; Ataxia-telangiectasia, complementation group D; AT, COMPLEMENTATION GROUP C. Identifiers: Orphanet 100, MedGen C0004135, MONDO:0008840, OMIM 208900.
Hereditary cancer-predisposing syndrome. Also called: Hereditary neoplastic syndrome; Neoplastic Syndromes, Hereditary; Tumor predisposition; Hereditary Cancer Syndrome. Identifiers: Orphanet 140162, MedGen C0027672, MeSH D009386, MONDO:0015356.

Allele frequency attached by ClinVar (database versions not stated): gnomAD exomes below 0.00001.
gnomAD v4.1: 4 of 1,614,146 alleles (0.00025%); highest among the groups gnomAD compares: Non-Finnish European, 0.00034%; no homozygotes.

Submissions (2):

Labcorp Genetics (formerly Invitae), Labcorp
Classification: Uncertain significance for Ataxia-telangiectasia syndrome. Last evaluated: 2024-06-19. Review status: criteria provided, single submitter. Criteria: Invitae Variant Classification Sherloc (09022015). Collection method: clinical testing. Allele origin: germline.
Comment: This sequence change replaces serine, which is neutral and polar, with threonine, which is neutral and polar, at codon 2996 of the ATM protein (p.Ser2996Thr). This variant also falls at the last nucleotide of exon 62, which is part of the consensus splice site for this exon. This variant is not present in population databases (gnomAD no frequency). This variant has not been reported in the literature in individuals affected with ATM-related conditions. ClinVar contains an entry for this variant (Variation ID: 1765332). An algorithm developed to predict the effect of missense changes on protein structure and function (PolyPhen-2) suggests that this variant is likely to be tolerated. Variants that disrupt the consensus splice site are a relatively common cause of aberrant splicing (PMID: 17576681, 9536098). In summary, the available evidence is currently insufficient to determine the role of this variant in disease. Therefore, it has been classified as a Variant of Uncertain Significance.

Ambry Genetics
Classification: Uncertain significance for Hereditary cancer-predisposing syndrome. Last evaluated: 2022-09-14. Review status: criteria provided, single submitter. Criteria: Ambry Variant Classification Scheme 2023. Collection method: clinical testing. Allele origin: germline.
Comment: The p.S2996T variant (also known as c.8987G>C), located in coding exon 61 of the ATM gene, results from a G to C substitution at nucleotide position 8987. The serine at codon 2996 is replaced by threonine, an amino acid with similar properties. However, this change occurs in the last base pair of coding exon 61 and may have some effect on normal mRNA splicing. This nucleotide position is highly conserved in available vertebrate species. In silico splice site analysis predicts that this alteration may result in the creation or strengthening of a novel splice donor site; however, direct evidence is insufficient at this time (Ambry internal data). This amino acid position is well conserved in available vertebrate species. In addition, as a missense substitution, this is predicted to be tolerated by in silico analysis. Since supporting evidence is limited at this time, the clinical significance of this alteration remains unclear.

Literature cited by the submitters: PubMed 17576681 (cited by Labcorp Genetics (formerly Invitae), Labcorp); PubMed 9536098 (cited by Labcorp Genetics (formerly Invitae), Labcorp).